The following is an entry in ClinVar:

NM_000135.4(FANCA):c.1229G>A (p.Trp410Ter)

Gene: FANCA (FA complementation group A; minus strand). Cytogenetic location: 16q24.3.
Variant type: single nucleotide variant.
Coding change: c.1229G>A on transcript NM_000135.4 (MANE Select); coding-DNA position 1229, G replaced by A.
Protein change: p.Trp410Ter; replaces tryptophan 410 with a stop codon.
Molecular consequence: nonsense.
Genome position (GRCh38, 1-based): chr16:89,791,533, C>T on the plus strand (G>A on the coding strand, the complement: FANCA is on the minus strand). VCF-style: chr16-89791533-C-T. GRCh37 (hg19) VCF-style: chr16-89857941-C-T.
Other names: c.1229G>A, p.Trp410Ter (NM_001286167.3); short protein forms W410*.
Identifiers: ClinVar variation 4817510 (VCV004817510.1).

ClinVar aggregate classification (germline): Pathogenic (1 of 4 stars; one submission).

Conditions:
Fanconi anemia (FA). Also called: Fanconi's anemia. Identifiers: Orphanet 84, MedGen C0015625, MeSH D005199, MONDO:0019391.

Submission:

Natera, Inc.
Classification: Pathogenic for Fanconi anemia. Last evaluated: 2025-09-21. Review status: criteria provided, single submitter. Criteria: Natera Variant Classification Schema (03/2026). Collection method: clinical testing. Allele origin: germline.
Comment: The c.1229G>A variant in FANCA is a nonsense variant predicted to introduce a stop codon at amino acid 410. This variant is expected to result in nonsense mediated decay, truncation, or a dysfunctional protein product. This variant is rare in the general population with a frequency below the threshold expected for the associated phenotype(s). This variant has been observed in one or more individuals affected with the associated recessive disease, as either homozygous or compound heterozygous with a second variant (PMID: 29247345). Given the available evidence, this variant is classified as Pathogenic.

Literature cited by the submitters: PubMed 29247345.